The following continues an entry in ClinVar:

NM_201253.3(CRB1):c.2290C>T (p.Arg764Cys)

Gene: CRB1. ClinVar aggregate classification (germline): Pathogenic/Likely pathogenic. Pathogenic (13); Likely pathogenic (11).

Submissions 17 to 31 of 31:

Neuberg Centre For Genomic Medicine, NCGM
Classification: Pathogenic for Retinitis pigmentosa-deafness syndrome. Last evaluated: 2023-03-01. Review status: criteria provided, single submitter. Criteria: ACMG Guidelines, 2015. Collection method: clinical testing. Allele origin: germline. Inheritance: Autosomal recessive inheritance. Affected: yes.
Comment: The missense variant c.2290C>T (p.Arg764Cys) in the CRB1 gene has been reported previously in a compound heterozygous and homozygous state in individuals affected with Autosomal recessive retinitis pigmentosa. Experimental studies have shown that this missense change affects protein function (den Hollander et al., 1999; Yang et al., 2016). This variant is reported with the allele frequency (0.007%) in the gnomAD and novel in the 1000 genome database. It is submitted to ClinVar with varying interpretations as Pathogenic/ Likely Pathogenic. The amino acid Arginine at position 764 is changed to a Cysteine changing protein sequence and it might alter its composition and physico-chemical properties. The variant is predicted as damaging by SIFT. The amino acid change p.Arg764Cys in CRB1 is predicted as conserved by PhyloP across 100 vertebrates. For these reasons, this variant has been classified as Pathogenic.

Institute of Human Genetics, Univ. Regensburg, Univ. Regensburg
Classification: Likely pathogenic for Retinal dystrophy. Last evaluated: 2022-01-01. Review status: criteria provided, single submitter. Criteria: ACMG Guidelines, 2015. Collection method: clinical testing. Allele origin: germline. Affected: yes.

Broad Center for Mendelian Genomics, Broad Institute of MIT and Harvard
Classification: Likely pathogenic for Retinitis pigmentosa. Last evaluated: 2021-04-01. Review status: criteria provided, single submitter. Criteria: ACMG Guidelines, 2015. Collection method: curation. Allele origin: germline. Inheritance: Autosomal recessive inheritance. Affected: yes.
Comment: Through a review of available evidence we were able to apply the following criteria: PM2, BP4, PP1-M, PM3. Based on this evidence we have classified this variant as Likely Pathogenic. If you have any questions about the classification please reach out to the Pierce Lab.

Institute of Medical Molecular Genetics, University of Zurich
Classification: Likely pathogenic for CRB1-related maculopathy. Last evaluated: 2021-01-30. Review status: criteria provided, single submitter. Criteria: ACMG Guidelines, 2015. Collection method: clinical testing. Allele origin: germline. Affected: yes.

Institute of Medical Genetics and Applied Genomics, University Hospital Tübingen
Classification: Pathogenic. Last evaluated: 2020-10-23. Review status: criteria provided, single submitter. Criteria: ACMG Guidelines, 2015. Collection method: clinical testing. Allele origin: germline. Inheritance: Autosomal recessive inheritance. Affected: yes.

CeGaT Center for Human Genetics Tuebingen
Classification: Pathogenic. Last evaluated: 2018-07-01. Review status: criteria provided, single submitter. Criteria: CeGaT Center For Human Genetics Tuebingen Variant Classification Criteria Version 2. Collection method: clinical testing. Allele origin: germline. Affected: yes. Observed: 4 variant alleles.

Leeds Institute of Medical Research, University of Leeds
Classification: Pathogenic for Macular dystrophy. Last evaluated: 2017-10-27. Review status: criteria provided, single submitter. Criteria: Khan et al. (Eur J Hum Genet. 2018). Collection method: research. Allele origin: germline. Affected: yes.

Genomics England Pilot Project, Genomics England
Classification: Likely pathogenic for Retinitis pigmentosa 12. Review status: criteria provided, single submitter. Criteria: ACGS Guidelines, 2016. Collection method: clinical testing. Allele origin: germline. Affected: yes.

Clinical Genetics Laboratory, University Hospital Schleswig-Holstein
Classification: Pathogenic for Leber congenital amaurosis 8. Last evaluated: 2021-12-01. Review status: no assertion criteria provided. Collection method: clinical testing. Allele origin: germline. Affected: yes. Not counted in ClinVar's aggregate classification.

Department of Clinical Genetics, Copenhagen University Hospital, Rigshospitalet
Classification: Pathogenic for Retinitis pigmentosa. Last evaluated: 2018-04-01. Review status: no assertion criteria provided. Collection method: research. Allele origin: unknown. Affected: yes. Study: VeluxRD. Not counted in ClinVar's aggregate classification.

OMIM
Classification: Pathogenic for RETINITIS PIGMENTOSA 12. Last evaluated: 1999-10-01. Review status: no assertion criteria provided. Collection method: literature only. Allele origin: germline. Not counted in ClinVar's aggregate classification.

Clinical Genetics DNA and cytogenetics Diagnostics Lab, Erasmus MC, Erasmus Medical Center
Classification: Pathogenic. Review status: no assertion criteria provided. Collection method: clinical testing. Allele origin: germline. Affected: yes. Study: VKGL Data-share Consensus. Not counted in ClinVar's aggregate classification.

Joint Genome Diagnostic Labs from Nijmegen and Maastricht, Radboudumc and MUMC+
Classification: Pathogenic. Review status: no assertion criteria provided. Collection method: clinical testing. Allele origin: germline. Affected: yes. Study: VKGL Data-share Consensus. Not counted in ClinVar's aggregate classification.

Laboratory of Genetics in Ophthalmology, Institut Imagine
Classification: Pathogenic for Leber congenital amaurosis 8. Review status: no assertion criteria provided. Collection method: research. Allele origin: inherited. Affected: yes. Observed: 5 variant alleles. Not counted in ClinVar's aggregate classification.

Retina International
No classification provided. Review status: no classification provided. Collection method: not provided. Allele origin: not provided. Not counted in ClinVar's aggregate classification.

Literature cited by the submitters: PubMed 10508521 (cited by 7 submitters); PubMed 11389483 (cited by 3 submitters); PubMed 12700176 (cited by Labcorp Genetics (formerly Invitae), Labcorp and Broad Center for Mendelian Genomics, Broad Institute of MIT and Harvard); PubMed 20956273 (cited by 3 submitters); PubMed 24512366 (cited by 3 submitters); PubMed 26047050 (cited by 3 submitters); PubMed 28129017 (cited by 3 submitters); PubMed 28341475 (cited by 3 submitters); PubMed 31736247 (cited by Natera, Inc. and Institute of Human Genetics, Univ. Regensburg, Univ. Regensburg); PubMed 33579689 (cited by Natera, Inc.); PubMed 18055820 (cited by Natera, Inc.); PubMed 23379534 (cited by 3billion); PubMed 40180963 (cited by Ophthalmic Genetics Group, Institute of Molecular and Clinical Ophthalmology Basel); PubMed 28559085 (cited by Institute of Human Genetics, Univ. Regensburg, Univ. Regensburg); PubMed 31589614 (cited by Institute of Human Genetics, Univ. Regensburg, Univ. Regensburg); PubMed 31964843 (cited by Institute of Human Genetics, Univ. Regensburg, Univ. Regensburg); PubMed 31429209 (cited by Institute of Human Genetics, Univ. Regensburg, Univ. Regensburg); PubMed 31980526 (cited by Institute of Human Genetics, Univ. Regensburg, Univ. Regensburg); PubMed 32531858 (cited by Institute of Human Genetics, Univ. Regensburg, Univ. Regensburg); PubMed 31630094 (cited by Institute of Human Genetics, Univ. Regensburg, Univ. Regensburg); PubMed 34426522 (cited by Institute of Human Genetics, Univ. Regensburg, Univ. Regensburg); PubMed 34884448 (cited by Institute of Human Genetics, Univ. Regensburg, Univ. Regensburg); PubMed 34003923 (cited by Institute of Human Genetics, Univ. Regensburg, Univ. Regensburg); PubMed 34758253 (cited by Institute of Human Genetics, Univ. Regensburg, Univ. Regensburg); PubMed 33970760 (cited by Institute of Human Genetics, Univ. Regensburg, Univ. Regensburg); PubMed 35119454 (cited by Institute of Human Genetics, Univ. Regensburg, Univ. Regensburg); PubMed 36460718 (cited by Institute of Human Genetics, Univ. Regensburg, Univ. Regensburg); PubMed 36819107 (cited by Institute of Human Genetics, Univ. Regensburg, Univ. Regensburg); PubMed 34906470 (cited by Broad Center for Mendelian Genomics, Broad Institute of MIT and Harvard); PubMed 29391521 (cited by Broad Center for Mendelian Genomics, Broad Institute of MIT and Harvard); PubMed 30718709 (cited by Broad Center for Mendelian Genomics, Broad Institute of MIT and Harvard and Department of Clinical Genetics, Copenhagen University Hospital, Rigshospitalet).